The following is an entry in ClinVar:

ClinVar aggregate classification (germline): Benign/Likely benign. Review status: criteria provided, multiple submitters, no conflicts (2 of 4 stars). 3 submissions from 2 submitters: Benign (2); Likely benign (1). Last evaluated 2018-01-13.

Conditions:
Retinitis pigmentosa (RP). Identifiers: Orphanet 791, MedGen C0035334, MeSH D012174, MONDO:0019200, OMIM 268000. Inheritance: Autosomal dominant, autosomal recessive and X linked inheritance.
Leber congenital amaurosis 4 (LCA4). Identifiers: MedGen C1858386, MONDO:0011458, OMIM 604393.

Allele frequency attached by ClinVar (database versions not stated): gnomAD exomes 0.60000; 1000 Genomes Project 30x 0.48876; 1000 Genomes Project 0.48922; gnomAD 0.51826 and 0.52037; TOPMed 0.52181.
gnomAD v4.1: 79,225 of 152,092 alleles (52%); highest among the groups gnomAD compares: Middle Eastern, 72%; 21,356 homozygotes.

Submissions (3):

Illumina Laboratory Services, Illumina
Classification: Benign for Leber congenital amaurosis 4. Last evaluated: 2018-01-13. Review status: criteria provided, single submitter. Criteria: ICSL Variant Classification Criteria 13 December 2019. Collection method: clinical testing. Allele origin: germline.
Comment: This variant was observed in the ICSL laboratory as part of a predisposition screen in an ostensibly healthy population. It had not been previously curated by ICSL or reported in the Human Gene Mutation Database (HGMD: prior to June 1st, 2018), and was therefore a candidate for classification through an automated scoring system. Utilizing variant allele frequency, disease prevalence and penetrance estimates, and inheritance mode, an automated score was calculated to assess if this variant is too frequent to cause the disease. Based on the score and internal cut-off values, a variant classified as benign is not then subjected to further curation. The score for this variant resulted in a classification of benign for this disease.

Illumina Laboratory Services, Illumina
Classification: Benign for Retinitis pigmentosa. Last evaluated: 2018-01-13. Review status: criteria provided, single submitter. Criteria: ICSL Variant Classification Criteria 13 December 2019. Collection method: clinical testing. Allele origin: germline.
Comment: the same text as in the submission from Illumina Laboratory Services, Illumina above.

Breakthrough Genomics
Classification: Likely benign. Review status: criteria provided, single submitter. Criteria: ACMG Guidelines, 2015. Collection method: not provided. Allele origin: germline. Inheritance: Autosomal recessive inheritance. Affected: yes.

NM_014336.5(AIPL1):c.*753G>A

Gene: AIPL1 (AIP like 1 HSP90 co-chaperone; minus strand). Cytogenetic location: 17p13.2.
Variant type: single nucleotide variant.
Coding change: c.*753G>A on transcript NM_014336.5 (MANE Select); 753 bases downstream of the stop codon, G replaced by A.
Molecular consequence: 3 prime UTR variant.
Genome position (GRCh38, 1-based): chr17:6,424,707, C>T on the plus strand (G>A on the coding strand, the complement: AIPL1 is on the minus strand). VCF-style: chr17-6424707-C-T. GRCh37 (hg19) VCF-style: chr17-6328027-C-T.
Other names: c.*753G>A (NM_001033054.3, NM_001033055.3, NM_001285399.3 and 3 more transcripts).
Identifiers: ClinVar variation 324591 (VCV000324591.7), dbSNP rs62060993, ClinGen allele CA10649833.
Genomic context (GRCh38, chr17:6,424,707, plus strand): 5'-CCGCCTCCCAGGTTCAATCAATTCTCCTGCCTCAGCCTCCCAAGTAGCTGGGATTATAGG[C>T]GCCCGCCACCACGCCCAGCTAGTTTTTTTGTATTTTTAGTAGAGATGAGGTTTCACCATG-3'